The following is an entry in ClinVar:

ClinVar aggregate classification (germline): Uncertain significance (1 of 4 stars; one submission).

Submission:

Labcorp Genetics (formerly Invitae), Labcorp
Classification: Uncertain significance. Last evaluated: 2023-01-01. Review status: criteria provided, single submitter. Criteria: Invitae Variant Classification Sherloc (09022015). Collection method: clinical testing. Allele origin: germline.
Comment: This sequence change replaces glycine, which is neutral and non-polar, with alanine, which is neutral and non-polar, at codon 80 of the KLF10 protein (p.Gly80Ala). This variant is not present in population databases (gnomAD no frequency). This variant has not been reported in the literature in individuals affected with KLF10-related conditions. Algorithms developed to predict the effect of missense changes on protein structure and function (SIFT, PolyPhen-2, Align-GVGD) all suggest that this variant is likely to be tolerated. In summary, the available evidence is currently insufficient to determine the role of this variant in disease. Therefore, it has been classified as a Variant of Uncertain Significance.

NM_005655.4(KLF10):c.239G>C (p.Gly80Ala)

Gene: KLF10 (KLF transcription factor 10; minus strand). Cytogenetic location: 8q22.3.
Variant type: single nucleotide variant.
Coding change: c.239G>C on transcript NM_005655.4 (MANE Select); coding-DNA position 239, G replaced by C.
Protein change: p.Gly80Ala; replaces glycine 80 with alanine.
Molecular consequence: missense variant. On other transcripts: non-coding transcript variant (2).
Genome position (GRCh38, 1-based): chr8:102,652,195, C>G on the plus strand (G>C on the coding strand, the complement: KLF10 is on the minus strand). VCF-style: chr8-102652195-C-G. GRCh37 (hg19) VCF-style: chr8-103664423-C-G.
Other names: c.206G>C, p.Gly69Ala (NM_001032282.4); short protein forms G69A, G80A.
Identifiers: ClinVar variation 2880110 (VCV002880110.3), dbSNP rs2537072360, ClinGen allele CA371629848.